The following is an entry in ClinVar:

ClinVar aggregate classification (germline): Pathogenic (1 of 4 stars; one submission).

Submission:

Labcorp Genetics (formerly Invitae), Labcorp
Classification: Pathogenic. Last evaluated: 2023-04-30. Review status: criteria provided, single submitter. Criteria: Invitae Variant Classification Sherloc (09022015). Collection method: clinical testing. Allele origin: germline.
Comment: This sequence change creates a premature translational stop signal (p.Lys216Argfs*24) in the FZD4 gene. While this is not anticipated to result in nonsense mediated decay, it is expected to disrupt the last 322 amino acid(s) of the FZD4 protein. This variant is not present in population databases (gnomAD no frequency). This variant has not been reported in the literature in individuals affected with FZD4-related conditions. This variant disrupts a region of the FZD4 protein in which other variant(s) (p.Gln505*) have been determined to be pathogenic (PMID: 15223780, 23077402). This suggests that this is a clinically significant region of the protein, and that variants that disrupt it are likely to be disease-causing. For these reasons, this variant has been classified as Pathogenic.

Literature cited by the submitters: PubMed 15223780; PubMed 23077402.

NM_012193.4(FZD4):c.647del (p.Lys216fs)

Genes: PRSS23 (serine protease 23; plus strand), FZD4 (frizzled class receptor 4; minus strand). Cytogenetic location: 11q14.2.
Variant type: Deletion.
Coding change: c.647del on transcript NM_012193.4 (MANE Select); coding-DNA position 647, one base deleted (A; older notation c.647delA).
Protein change: p.Lys216fs; shifts the reading frame from lysine 216.
Molecular consequence: frameshift variant. On other transcripts: non-coding transcript variant (2).
Genome position (GRCh38, 1-based): chr11:86,952,109, T deleted on the plus strand (A on the coding strand, the reverse complement: FZD4 is on the minus strand); the first of 2 consecutive T bases (chr11:86,952,109-86,952,110); deleting either gives the same sequence. VCF-style (leftmost placement, unchanged base first): chr11-86952108-CT-C. GRCh37 (hg19) VCF-style: chr11-86663150-CT-C.
Other names: short protein forms K216fs.
Identifiers: ClinVar variation 2858425 (VCV002858425.3), dbSNP rs2495868177, ClinGen allele CA2739270727.